The following is an entry in ClinVar:

ClinVar aggregate classification (germline): Uncertain significance (1 of 4 stars; one submission).

Conditions:
Neurodevelopmental disorder. Identifiers: MedGen C1535926, MeSH D065886, MONDO:0700092.

Submission:

Broad Center for Mendelian Genomics, Broad Institute of MIT and Harvard
Classification: Uncertain significance for Neurodevelopmental disorder. Last evaluated: 2026-03-02. Review status: criteria provided, single submitter. Criteria: ACMG Guidelines, 2015. Collection method: research. Allele origin: germline. Inheritance: Autosomal dominant inheritance.
Comment: The heterozygous p.Leu1169ThrfsTer17 variant in ZSWIM8 was identified in 2 siblings with a neurodevelopmental disorder including global developmental delay and autism via a collaborative study between the Broad Institute's Center for Mendelian Genomics and the NeuroDev Study. The p.Leu1169ThrfsTer17 variant in ZSWIM8 has not been previously reported in the literature in individuals with neurodevelopmental disorders, and was absent from large population studies. This variant is predicted to cause a frameshift, which alters the protein’s amino acid sequence beginning at position 1169 and leads to a premature termination codon 17 amino acids downstream. This alteration is then predicted to lead to a truncated or absent protein. It is of note that loss of function of ZSWIM8 in an autosomal dominant disease has not yet been established based on the criteria laid out in Tayoun et al., 2018 (PMID: 30192042). While variants in the ZSWIM8 gene have been reported in individuals with neurodevelopmental disorders, this association has not been definitively established. In summary, given the limited information about this gene-disease relationship, the significance of the p.Leu1169ThrfsTer17 variant is uncertain.

NM_001367799.1(ZSWIM8):c.3503dup (p.Leu1169fs)

Genes: NDST2-ZSWIM8-AS1 (NDST2-ZSWIM8-AS1 readthrough; minus strand), ZSWIM8 (zinc finger SWIM-type containing 8; plus strand), ZSWIM8-AS1 (ZSWIM8 antisense RNA 1; minus strand). Cytogenetic location: 10q22.2.
Variant type: Duplication.
Coding change: c.3503dup on transcript NM_001367799.1 (MANE Select); coding-DNA position 3503, one base duplicated (C; older notation c.3503dupC).
Protein change: p.Leu1169fs; shifts the reading frame from leucine 1169.
Molecular consequence: frameshift variant. On other transcripts: non-coding transcript variant (5).
Genome position (GRCh38, 1-based): chr10:73,797,446, C duplicated; the last of 2 consecutive C bases (chr10:73,797,445-73,797,446); duplicating either gives the same sequence. VCF-style (leftmost placement, unchanged base first): chr10-73797444-A-AC. GRCh37 (hg19) VCF-style: chr10-75557202-A-AC.
Other names: NM_015037.4:c.3503dup; c.3488dup, p.Leu1164fs (NM_001242487.2, NM_001242488.2); c.3503dup, p.Leu1169fs (NM_015037.4); short protein forms L1164fs, L1169fs.
Identifiers: ClinVar variation 4819493 (VCV004819493.1).